The following is an entry in ClinVar:

NM_001386140.1(MTTP):c.1258G>T (p.Gly420Cys)

Gene: MTTP (microsomal triglyceride transfer protein; plus strand). Cytogenetic location: 4q23.
Variant type: single nucleotide variant.
Coding change: c.1258G>T on transcript NM_001386140.1 (MANE Select); coding-DNA position 1258, G replaced by T.
Protein change: p.Gly420Cys; replaces glycine 420 with cysteine.
Molecular consequence: missense variant.
Genome position (GRCh38, 1-based): chr4:99,601,628, G>T. VCF-style: chr4-99601628-G-T. GRCh37 (hg19) VCF-style: chr4-100522785-G-T.
Other names: c.1258G>T, p.Gly420Cys (NM_000253.4); c.1009G>T, p.Gly337Cys (NM_001300785.2); c.1258G>T (NM_000253.2); short protein forms G337C, G420C.
Identifiers: ClinVar variation 1009439 (VCV001009439.6), dbSNP rs1298178199, ClinGen allele CA357509067.

ClinVar aggregate classification (germline): Uncertain significance. Review status: criteria provided, multiple submitters, no conflicts (2 of 4 stars). 2 submissions from 2 submitters: Uncertain significance (2). Last evaluated 2025-09-28.

Conditions:
Inborn genetic diseases. Identifiers: MedGen C0950123, MeSH D030342.

Allele frequency attached by ClinVar (database versions not stated): gnomAD exomes below 0.00001.

Submissions (2):

Ambry Genetics
Classification: Uncertain significance for Inborn genetic diseases. Last evaluated: 2025-09-28. Review status: criteria provided, single submitter. Criteria: Ambry Variant Classification Scheme 2023. Collection method: clinical testing. Allele origin: germline.

Labcorp Genetics (formerly Invitae), Labcorp
Classification: Uncertain significance. Last evaluated: 2022-07-11. Review status: criteria provided, single submitter. Criteria: Invitae Variant Classification Sherloc (09022015). Collection method: clinical testing. Allele origin: germline.
Comment: Algorithms developed to predict the effect of sequence changes on RNA splicing suggest that this variant may disrupt the consensus splice site. In summary, the available evidence is currently insufficient to determine the role of this variant in disease. Therefore, it has been classified as a Variant of Uncertain Significance. Algorithms developed to predict the effect of missense changes on protein structure and function are either unavailable or do not agree on the potential impact of this missense change (SIFT: "Deleterious"; PolyPhen-2: "Possibly Damaging"; Align-GVGD: "Class C15"). ClinVar contains an entry for this variant (Variation ID: 1009439). This variant has not been reported in the literature in individuals affected with MTTP-related conditions. This variant is present in population databases (no rsID available, gnomAD 0.0009%). This sequence change replaces glycine, which is neutral and non-polar, with cysteine, which is neutral and slightly polar, at codon 420 of the MTTP protein (p.Gly420Cys).